The following is an entry in ClinVar:

NM_005045.4(RELN):c.1975C>A (p.Leu659Ile)

Gene: RELN (reelin; minus strand). Cytogenetic location: 7q22.1.
Variant type: single nucleotide variant.
Coding change: c.1975C>A on transcript NM_005045.4 (MANE Select); coding-DNA position 1975, C replaced by A.
Protein change: p.Leu659Ile; replaces leucine 659 with isoleucine.
Molecular consequence: missense variant.
Genome position (GRCh38, 1-based): chr7:103,650,301, G>T on the plus strand (C>A on the coding strand, the complement: RELN is on the minus strand). VCF-style: chr7-103650301-G-T. GRCh37 (hg19) VCF-style: chr7-103290748-G-T.
Other names: c.1975C>A, p.Leu659Ile (NM_173054.3); short protein forms L659I.
Identifiers: ClinVar variation 1318924 (VCV001318924.11), dbSNP rs199851352, ClinGen allele CA163938847.
Genomic context (GRCh38, chr7:103,650,301, plus strand): 5'-TGGCATGTGATTATGACAGGCATAAACACTAACCATTATCAATTGCCCACATGTTTCCAA[G>T]GATTGGTCCTGTTTGTCTCCAGCGAATCCTGGTGTTCCGGGTTAGTGCTGCGTTAGGAAG-3'
Protein context (NP_005036.2, residues 649-669): RIRWRQTGPI[Leu659Ile]GNMWAIDNVY

ClinVar aggregate classification (germline): Uncertain significance. Review status: criteria provided, multiple submitters, no conflicts (2 of 4 stars). 4 submissions from 4 submitters: Uncertain significance (4). Last evaluated 2026-09-23.

Conditions:
Norman-Roberts syndrome (LIS2). Also called: Lissencephaly 2 (Norman-Roberts type). Identifiers: Orphanet 89844, MedGen C0796089, MONDO:0009760, OMIM 257320.
Familial temporal lobe epilepsy 7. Identifiers: Orphanet 101046, MedGen C4225327, MONDO:0014639, OMIM 616436.
RELN-related disorder. Also called: RELN-related condition.

Allele frequency attached by ClinVar (database versions not stated): gnomAD exomes below 0.00001; TOPMed below 0.00001; gnomAD 0.00001.
gnomAD v4.1: 7 of 1,610,140 alleles (0.00043%); highest among the groups gnomAD compares: Admixed American, 0.0017%; no homozygotes.

Submissions (4):

PreventionGenetics, part of Exact Sciences
Classification: Uncertain significance for RELN-related condition. Last evaluated: 2026-09-23. Review status: criteria provided, single submitter. Criteria: ACMG Guidelines, 2015. Collection method: clinical testing. Allele origin: germline.
Comment: The RELN c.1975C>A variant is predicted to result in the amino acid substitution p.Leu659Ile. This variant has been reported along with a second RELN variant in a neonate with lissencephaly, congenital cataracts, and brainstem and cerebellar hypoplasia (Abumansour et al. 2014. PubMed ID: 23625088). This variant has been reported in one heterozygous individual within the ‘other’ subpopulation in gnomAD and is interpreted as uncertain in ClinVar (Variation ID: 1318924). At this time, the clinical significance of this variant is uncertain due to the absence of conclusive functional and genetic evidence.

Blueprint Genetics
Classification: Uncertain significance. Last evaluated: 2024-11-25. Review status: criteria provided, single submitter. Criteria: ACMG Guidelines, 2015. Collection method: clinical testing. Allele origin: germline.

Labcorp Genetics (formerly Invitae), Labcorp
Classification: Uncertain significance for Familial temporal lobe epilepsy 7; Norman-Roberts syndrome. Last evaluated: 2022-11-30. Review status: criteria provided, single submitter. Criteria: Invitae Variant Classification Sherloc (09022015). Collection method: clinical testing. Allele origin: germline.
Comment: In summary, the available evidence is currently insufficient to determine the role of this variant in disease. Therefore, it has been classified as a Variant of Uncertain Significance. Advanced modeling of protein sequence and biophysical properties (such as structural, functional, and spatial information, amino acid conservation, physicochemical variation, residue mobility, and thermodynamic stability) performed at Invitae indicates that this missense variant is not expected to disrupt RELN protein function. ClinVar contains an entry for this variant (Variation ID: 1318924). This variant has not been reported in the literature in individuals affected with RELN-related conditions. This variant is present in population databases (rs199851352, gnomAD 0.0009%). This sequence change replaces leucine, which is neutral and non-polar, with isoleucine, which is neutral and non-polar, at codon 659 of the RELN protein (p.Leu659Ile).

GeneDx
Classification: Uncertain significance. Last evaluated: 2021-06-04. Review status: criteria provided, single submitter. Criteria: GeneDx Variant Classification Process June 2021. Collection method: clinical testing. Allele origin: germline. Affected: yes.
Comment: Not observed at significant frequency in large population cohorts (Lek et al., 2016); In silico analysis supports that this missense variant does not alter protein structure/function; Has not been previously published as pathogenic or benign to our knowledge; This variant is associated with the following publications: (PMID: 27535533)